The following is an entry in ClinVar:

NM_001042492.3(NF1):c.2969_2970dup (p.Met991fs)

Gene: NF1 (neurofibromin 1; plus strand). Cytogenetic location: 17q11.2.
Variant type: Duplication.
Coding change: c.2969_2970dup on transcript NM_001042492.3 (MANE Select); coding-DNA positions 2969 to 2970, 2 bases duplicated (CA; older notation c.2969_2970dupCA).
Protein change: p.Met991fs; shifts the reading frame from methionine 991.
Molecular consequence: frameshift variant.
Genome position (GRCh38, 1-based): chr17:31,229,953-31,229,954, CA duplicated; duplicating any 2 consecutive bases within chr17:31,229,952-31,229,954 gives the same sequence; the c. name uses the placement nearest the transcript's 3' end. VCF-style (leftmost placement, unchanged base first): chr17-31229951-A-AAC. GRCh37 (hg19) VCF-style: chr17-29556969-A-AAC.
Other names: c.2969_2970dupCA (NM_000267.3); c.2969_2970dup, p.Met991Glnfs (NM_000267.4); short protein forms M991fs.
Identifiers: ClinVar variation 457609 (VCV000457609.5), dbSNP rs1555614458, ClinGen allele CA658656554.
Genomic context (GRCh38, chr17:31,229,951, plus strand): 5'-GAACTTGCTAGATAATCATACTGAAGGCAGCTCTGAACATCTAGGGCAAGCTAGCATTGA[A>AAC]ACAATGATGTTAAATCTGGTCAGGTAAGCATTCTACTGAAATGTAGCAGAAACATTTTAA-3'

ClinVar aggregate classification (germline): Pathogenic (1 of 4 stars; one submission).

Conditions:
Neurofibromatosis, type 1 (NF1). Also called: VON RECKLINGHAUSEN DISEASE; NEUROFIBROMATOSIS, TYPE I, SOMATIC; Peripheral type neurofibromatosis; Neurofibromatosis, type I. Identifiers: Orphanet 636, MedGen C0027831, MONDO:0018975, OMIM 162200. Disease mechanism: loss of function.

Submission:

Labcorp Genetics (formerly Invitae), Labcorp
Classification: Pathogenic for Neurofibromatosis, type 1. Last evaluated: 2017-07-19. Review status: criteria provided, single submitter. Criteria: Invitae Variant Classification Sherloc (09022015). Collection method: clinical testing. Allele origin: germline.
Comment: For these reasons, this variant has been classified as Pathogenic. Loss-of-function variants in NF1 are known to be pathogenic (PMID: 10712197, 23913538). This variant has not been reported in the literature in individuals with NF1-related disease. This variant is not present in population databases (ExAC no frequency). This sequence change creates a premature translational stop signal (p.Met991Glnfs*2) in the NF1 gene. It is expected to result in an absent or disrupted protein product.

Literature cited by the submitters: PubMed 10712197; PubMed 23913538.